The following is an entry in ClinVar:

NM_000400.4(ERCC2):c.106-16G>A

Gene: ERCC2 (ERCC excision repair 2, TFIIH core complex helicase subunit; minus strand). Cytogenetic location: 19q13.32.
Variant type: single nucleotide variant.
Coding change: c.106-16G>A on transcript NM_000400.4 (MANE Select); 16 bases into the intron before coding-DNA position 106, G replaced by A.
Molecular consequence: intron variant.
Genome position (GRCh38, 1-based): chr19:45,369,163, C>T on the plus strand (G>A on the coding strand, the complement: ERCC2 is on the minus strand). VCF-style: chr19-45369163-C-T. GRCh37 (hg19) VCF-style: chr19-45872421-C-T.
Other names: c.34-16G>A (NM_001130867.2).
Identifiers: ClinVar variation 2001067 (VCV002001067.1), dbSNP rs1423669512, ClinGen allele CA2580097398.

ClinVar aggregate classification (germline): Uncertain significance (1 of 4 stars; one submission).

Submission:

Labcorp Genetics (formerly Invitae), Labcorp
Classification: Uncertain significance. Last evaluated: 2022-05-30. Review status: criteria provided, single submitter. Criteria: Invitae Variant Classification Sherloc (09022015). Collection method: clinical testing. Allele origin: germline.
Comment: This sequence change falls in intron 2 of the ERCC2 gene. It does not directly change the encoded amino acid sequence of the ERCC2 protein. This variant is not present in population databases (gnomAD no frequency). This variant has not been reported in the literature in individuals affected with ERCC2-related conditions. Algorithms developed to predict the effect of sequence changes on RNA splicing suggest that this variant may disrupt the consensus splice site. In summary, the available evidence is currently insufficient to determine the role of this variant in disease. Therefore, it has been classified as a Variant of Uncertain Significance.